The following is an entry in ClinVar:

NC_000011.9:g.(?_108205690)_(108236241_?)dup

Genes: ATM (ATM serine/threonine kinase; plus strand), C11orf65 (chromosome 11 open reading frame 65; minus strand), LOC129390354 (MPRA-validated peak1451 silencer; plus strand). Cytogenetic location: 11q22.3.
Variant type: Duplication.
Identifiers: ClinVar variation 524493 (VCV000524493.2).

ClinVar aggregate classification (germline): Uncertain significance (1 of 4 stars; one submission).

Conditions:
Ataxia-telangiectasia syndrome (AT). Also called: ATAXIA-TELANGIECTASIA, COMPLEMENTATION GROUP A; ATAXIA-TELANGIECTASIA, FRESNO VARIANT; Ataxia-telangiectasia; Ataxia-telangiectasia, complementation group D; AT, COMPLEMENTATION GROUP C; Ataxia-telangiectasia, complementation group E. Identifiers: Orphanet 100, MedGen C0004135, MONDO:0008840, OMIM 208900.

Submission:

Labcorp Genetics (formerly Invitae), Labcorp
Classification: Uncertain significance for Ataxia-telangiectasia syndrome. Last evaluated: 2017-09-25. Review status: criteria provided, single submitter. Criteria: Invitae Variant Classification Sherloc (09022015). Collection method: clinical testing. Allele origin: germline.
Comment: This variant is a gross duplication of the genomic region encompassing exons 55-63 of the ATM gene. The 5' boundary is located at c.8064 in exon 55. The 3' end of this event is located beyond the assayed region for this gene and therefore may encompass additional genes. The exact location of this variant in the genome is unknown. This variant has not been reported in the literature in individuals with ATM-related disease. Experimental studies and prediction algorithms are not available for this variant, and the functional significance of the duplicated amino acids is currently unknown. In summary, the exact location of this duplication is unknown and the available evidence is currently insufficient to determine the role of this variant in disease. Therefore, it has been classified as a Variant of Uncertain Significance.